The following is an entry in ClinVar:

NM_005472.5(KCNE3):c.94del (p.Arg32fs)

Gene: KCNE3 (potassium voltage-gated channel subfamily E regulatory subunit 3; minus strand). Cytogenetic location: 11q13.4.
Variant type: Deletion.
Coding change: c.94del on transcript NM_005472.5 (MANE Select); coding-DNA position 94, one base deleted (C; older notation c.94delC).
Protein change: p.Arg32fs; shifts the reading frame from arginine 32.
Molecular consequence: frameshift variant.
Genome position (GRCh38, 1-based): chr11:74,457,470, G deleted on the plus strand (C on the coding strand, the reverse complement: KCNE3 is on the minus strand); the first of 2 consecutive G bases (chr11:74,457,470-74,457,471); deleting either gives the same sequence. VCF-style (leftmost placement, unchanged base first): chr11-74457469-CG-C. GRCh37 (hg19) VCF-style: chr11-74168514-CG-C.
Other names: c.94delC (NM_005472.4); short protein forms R32fs.
Identifiers: ClinVar variation 1767169 (VCV001767169.2), dbSNP rs1863848759, ClinGen allele CA939593680.

ClinVar aggregate classification (germline): Uncertain significance (1 of 4 stars; one submission).

Conditions:
Cardiovascular phenotype. Identifiers: MedGen CN230736.

Submission:

Ambry Genetics
Classification: Uncertain significance for Cardiovascular phenotype. Last evaluated: 2022-04-04. Review status: criteria provided, single submitter. Criteria: Ambry Variant Classification Scheme 2023. Collection method: clinical testing. Allele origin: germline.
Comment: The c.94delC variant, located in coding exon 1 of the KCNE3 gene, results from a deletion of one nucleotide at nucleotide position 94, causing a translational frameshift with a predicted alternate stop codon (p.R32Gfs*39). This alteration is expected to result in premature protein truncation. However, loss of function of KCNE3 has not been clearly established as a mechanism of disease. The evidence for this gene-disease relationship is limited; therefore, the clinical significance of this alteration is unclear.